The following is an entry in ClinVar:

ClinVar aggregate classification (germline): Likely pathogenic (1 of 4 stars; one submission).

gnomAD v4.1: 25 of 1,613,106 alleles (0.0015%); highest among the groups gnomAD compares: Non-Finnish European, 0.0019%; no homozygotes.

Submission:

GeneDx
Classification: Likely pathogenic. Last evaluated: 2026-03-25. Review status: criteria provided, single submitter. Criteria: GeneDx Variant Classification Process June 2021. Collection method: clinical testing. Allele origin: germline.
Comment: In silico analysis supports that this missense variant has a deleterious effect on protein structure/function; Not observed at significant frequency in large population cohorts (gnomAD); This variant is associated with the following publications: (PMID: 39199267, 24256811, 34440436)

NM_145199.3(LIPT1):c.292C>T (p.Arg98Trp)

Genes: LIPT1 (lipoyltransferase 1; plus strand), MITD1 (microtubule interacting and trafficking domain containing 1; minus strand). Cytogenetic location: 2q11.2.
Variant type: single nucleotide variant.
Coding change: c.292C>T on transcript NM_145199.3 (MANE Select); coding-DNA position 292, C replaced by T.
Protein change: p.Arg98Trp; replaces arginine 98 with tryptophan.
Molecular consequence: missense variant. On other transcripts: non-coding transcript variant (2).
Genome position (GRCh38, 1-based): chr2:99,162,249, C>T. VCF-style: chr2-99162249-C-T. GRCh37 (hg19) VCF-style: chr2-99778712-C-T.
Other names: c.292C>T, p.Arg98Trp (NM_001204830.2, NM_015929.4, NM_145197.3 and 1 more transcripts); short protein forms R98W.
Identifiers: ClinVar variation 5016762 (VCV005016762.1).